The following is an entry in ClinVar:

ClinVar aggregate classification (germline): Uncertain significance (1 of 4 stars; one submission).

Conditions:
Floating-Harbor syndrome (FLHS). Also called: Short stature with delayed bone age, expressive language delay, a triangular face with a prominent nose and deep-set eyes; Pelletier-Leisti syndrome; SRCAP-Related Floating-Harbor Syndrome. Identifiers: Orphanet 2044, MedGen C0729582, MONDO:0007621, OMIM 136140.

Submission:

Dasa
Classification: Uncertain significance for Floating-Harbor syndrome. Last evaluated: 2025-12-01. Review status: criteria provided, single submitter. Criteria: DASA Assertion Criteria. Collection method: clinical testing. Allele origin: germline.
Comment: NM_006662.3(SRCAP):c.9540_9545del (p.Glu3181_Glu3182del) is an in-frame deletion predicted to remove amino acids from glutamic acid at protein position 3181 through glutamic acid at protein position 3182 without shifting the reading frame. This variant is absent from population databases. The currently available literature and clinical evidence are not sufficient to establish a definitive association between this variant and the reported condition. Therefore, this variant is classified as a variant of uncertain significance.

NM_006662.3(SRCAP):c.9537GGA[1] (p.Glu3181_Glu3182del)

Gene: SRCAP (Snf2 related CREBBP activator protein; plus strand). Cytogenetic location: 16p11.2.
Variant type: Microsatellite.
Coding change: c.9537GGA[1] on transcript NM_006662.3 (MANE Select); one copy of the 3-base unit GGA starting at c.9537; the reference has three copies in a row; two copies, 6 bases deleted; also written c.9540_9545del.
Protein change: p.Glu3181_Glu3182del.
Molecular consequence: inframe deletion.
Genome position (GRCh38, 1-based): chr16:30,739,580-30,739,585, GGAGGA deleted; deleting any 6 consecutive bases within chr16:30,739,575-30,739,585 gives the same sequence; the position shown is the placement nearest the transcript's 3' end. VCF-style (leftmost placement, unchanged base first): chr16-30739574-TGAGGAG-T. GRCh37 (hg19) VCF-style: chr16-30750895-TGAGGAG-T.
Other names: c.9540_9545del (NM_006662.3).
Identifiers: ClinVar variation 4884093 (VCV004884093.2).